The following is an entry in ClinVar:

ClinVar aggregate classification (germline): Uncertain significance (1 of 4 stars; one submission).

Conditions:
Hereditary spastic paraplegia 11. Also called: SPASTIC PARAPLEGIA, AUTOSOMAL RECESSIVE, COMPLICATED, WITH THIN CORPUS CALLOSUM; SPASTIC PARAPLEGIA, AUTOSOMAL RECESSIVE, WITH MENTAL IMPAIRMENT AND THIN CORPUS CALLOSUM; Spastic Paraplegia 11; Spastic paraplegia, mental retardation and thin corpus callosum; Nakamura Osame syndrome; Autosomal recessive hereditary spastic paraplegia, mental impairment, and thin corpus callosum. Identifiers: Orphanet 2822, MedGen C1858479, MONDO:0011445, OMIM 604360.

Allele frequency attached by ClinVar (database versions not stated): gnomAD 0.00001.
gnomAD v4.1: 1 of 1,613,062 alleles (0.000062%); highest among the groups gnomAD compares: Non-Finnish European, 0.000085%; no homozygotes.

Submission:

Labcorp Genetics (formerly Invitae), Labcorp
Classification: Uncertain significance for Hereditary spastic paraplegia 11. Last evaluated: 2020-07-23. Review status: criteria provided, single submitter. Criteria: Invitae Variant Classification Sherloc (09022015). Collection method: clinical testing. Allele origin: germline.
Comment: In summary, the available evidence is currently insufficient to determine the role of this variant in disease. Therefore, it has been classified as a Variant of Uncertain Significance. Algorithms developed to predict the effect of missense changes on protein structure and function are either unavailable or do not agree on the potential impact of this missense change (SIFT: "Tolerated"; PolyPhen-2: "Possibly Damaging"; Align-GVGD: "Class C0"). This variant has not been reported in the literature in individuals with SPG11-related conditions. This variant is not present in population databases (ExAC no frequency). This sequence change replaces glutamic acid with valine at codon 1694 of the SPG11 protein (p.Glu1694Val). The glutamic acid residue is moderately conserved and there is a moderate physicochemical difference between glutamic acid and valine.

NM_025137.4(SPG11):c.5081A>T (p.Glu1694Val)

Gene: SPG11 (SPG11 vesicle trafficking associated, spatacsin; minus strand). Cytogenetic location: 15q21.1.
Variant type: single nucleotide variant.
Coding change: c.5081A>T on transcript NM_025137.4 (MANE Select); coding-DNA position 5081, A replaced by T.
Protein change: p.Glu1694Val; replaces glutamic acid 1694 with valine.
Molecular consequence: missense variant.
Genome position (GRCh38, 1-based): chr15:44,585,676, T>A on the plus strand (A>T on the coding strand, the complement: SPG11 is on the minus strand). VCF-style: chr15-44585676-T-A. GRCh37 (hg19) VCF-style: chr15-44877874-T-A.
Other names: c.5081A>T, p.Glu1694Val (NM_001160227.2); short protein forms E1694V.
Identifiers: ClinVar variation 1017611 (VCV001017611.8), dbSNP rs2082747020, ClinGen allele CA392223353.